The following is an entry in ClinVar:

ClinVar aggregate classification (germline): Likely pathogenic (1 of 4 stars; one submission).

Allele frequency attached by ClinVar (database versions not stated): gnomAD exomes 0.00001.
gnomAD v4.1: 3 of 1,613,414 alleles (0.00019%); highest among the groups gnomAD compares: Non-Finnish European, 0.00025%; no homozygotes.

Submission:

Labcorp Genetics (formerly Invitae), Labcorp
Classification: Likely pathogenic. Last evaluated: 2023-07-19. Review status: criteria provided, single submitter. Criteria: Invitae Variant Classification Sherloc (09022015). Collection method: clinical testing. Allele origin: germline.
Comment: In summary, the currently available evidence indicates that the variant is pathogenic, but additional data are needed to prove that conclusively. Therefore, this variant has been classified as Likely Pathogenic. Algorithms developed to predict the effect of sequence changes on RNA splicing suggest that this variant may disrupt the consensus splice site. This variant has not been reported in the literature in individuals affected with FRAS1-related conditions. This variant is not present in population databases (gnomAD no frequency). This sequence change affects an acceptor splice site in intron 46 of the FRAS1 gene. It is expected to disrupt RNA splicing. Variants that disrupt the donor or acceptor splice site typically lead to a loss of protein function (PMID: 16199547), and loss-of-function variants in FRAS1 are known to be pathogenic (PMID: 12766769, 18671281).

Literature cited by the submitters: PubMed 16199547; PubMed 12766769; PubMed 18671281.

NM_025074.7(FRAS1):c.6584-1G>T

Gene: FRAS1 (Fraser extracellular matrix complex subunit 1; plus strand). Cytogenetic location: 4q21.21.
Variant type: single nucleotide variant.
Coding change: c.6584-1G>T on transcript NM_025074.7 (MANE Select); the canonical splice acceptor site of the intron before coding-DNA position 6584, G replaced by T.
Molecular consequence: splice acceptor variant.
Genome position (GRCh38, 1-based): chr4:78,452,174, G>T. VCF-style: chr4-78452174-G-T. GRCh37 (hg19) VCF-style: chr4-79373328-G-T.
Identifiers: ClinVar variation 2744914 (VCV002744914.3), dbSNP rs2477236844, ClinGen allele CA357396078.
Genomic context (GRCh38, chr4:78,452,174, plus strand): 5'-AGAATTAAAGAAAGGAGGCTGAGAAGATCCCATTTCAAATCACTATTTCTGATATTTTCA[G>T]AAGACAAATCCCCACCAGTCATCACCACCAATAAAGGACTGGTCTTGGATGAAAACTCAG-3'